The following is an entry in ClinVar:

NM_000361.3(THBD):c.879G>T (p.Glu293Asp)

Gene: THBD (thrombomodulin; minus strand). Cytogenetic location: 20p11.21.
Variant type: single nucleotide variant.
Coding change: c.879G>T on transcript NM_000361.3 (MANE Select); coding-DNA position 879, G replaced by T.
Protein change: p.Glu293Asp; replaces glutamic acid 293 with aspartic acid.
Molecular consequence: missense variant.
Genome position (GRCh38, 1-based): chr20:23,048,626, C>A on the plus strand (G>T on the coding strand, the complement: THBD is on the minus strand). VCF-style: chr20-23048626-C-A. GRCh37 (hg19) VCF-style: chr20-23029263-C-A.
Other names: short protein forms E293D.
Identifiers: ClinVar variation 4976837 (VCV004976837.1).

ClinVar aggregate classification (germline): Uncertain significance (1 of 4 stars; one submission).

Conditions:
Thrombomodulin-related bleeding disorder (THPH12). Also called: Thrombophilia due to thrombomodulin defect. Identifiers: Orphanet 436169, MedGen C3280976, MONDO:0013775, OMIM 614486.

Submission:

Genomenon, Inc
Classification: Uncertain significance for Thrombomodulin-related bleeding disorder. Last evaluated: 2026-09-17. Review status: criteria provided, single submitter. Criteria: Genomenon Sequence Variant Interpretation Standards - Updated. Collection method: curation. Allele origin: germline. Affected: no.
Comment: THBD p.Glu293Asp (c.879G>T) is a missense variant that changes the amino acid at codon 293 from glutamic acid to aspartic acid. This variant has been reported in the published literature (PMID:37567446). It is absent or not present at a significant frequency in gnomAD. In silico models predict that this variant is not damaging. In conclusion, we classify THBD p.Glu293Asp (c.879G>T) as a variant of uncertain significance.

Literature cited by the submitters: PubMed 37567446.